The following is an entry in ClinVar:

NM_005689.4(ABCB6):c.649C>A (p.Gln217Lys)

Gene: ABCB6 (ATP binding cassette subfamily B member 6 (LAN blood group); minus strand). Cytogenetic location: 2q35.
Variant type: single nucleotide variant.
Coding change: c.649C>A on transcript NM_005689.4 (MANE Select); coding-DNA position 649, C replaced by A.
Protein change: p.Gln217Lys; replaces glutamine 217 with lysine.
Molecular consequence: missense variant. On other transcripts: intron variant (1).
Genome position (GRCh38, 1-based): chr2:219,217,708, G>T on the plus strand (C>A on the coding strand, the complement: ABCB6 is on the minus strand). VCF-style: chr2-219217708-G-T. GRCh37 (hg19) VCF-style: chr2-220082430-G-T.
Other names: c.549+417C>A (NM_001349828.2); short protein forms Q217K.
Identifiers: ClinVar variation 3024659 (VCV003024659.22), dbSNP rs747231580, ClinGen allele CA2119695.
Genomic context (GRCh38, chr2:219,217,708, plus strand): 5'-AAAAAAAGAAACTGAGGTGTACCTGGCTCCTTTCCACATCTTGGTCCTCTTCATGAACCT[G>T]CAATGTATAGGACTGGGGACGAAGTCCAGGGGCCCAGAGACCCAGGACAAACAGCCCTCC-3'
Protein context (NP_005680.1, residues 207-227): PGLRPQSYTL[Gln217Lys]VHEEDQDVER

ClinVar aggregate classification (germline): Likely benign (1 of 4 stars; one submission).

Allele frequency attached by ClinVar (database versions not stated): gnomAD exomes 0.00002; TOPMed 0.00002; gnomAD 0.00003; ExAC 0.00004.
gnomAD v4.1: 38 of 1,613,366 alleles (0.0024%); highest among the groups gnomAD compares: Non-Finnish European, 0.0031%; no homozygotes.

Submission:

CeGaT Center for Human Genetics Tuebingen
Classification: Likely benign. Last evaluated: 2024-01-01. Review status: criteria provided, single submitter. Criteria: CeGaT Center For Human Genetics Tuebingen Variant Classification Criteria Version 2. Collection method: clinical testing. Allele origin: germline. Affected: yes. Observed: 1 variant allele.
Comment: ABCB6: BP4